The following is an entry in ClinVar:

NM_001040142.2(SCN2A):c.2844G>A (p.Trp948Ter)

Gene: SCN2A (sodium voltage-gated channel alpha subunit 2; plus strand). Cytogenetic location: 2q24.3.
Variant type: single nucleotide variant.
Coding change: c.2844G>A on transcript NM_001040142.2 (MANE Select); coding-DNA position 2844, G replaced by A.
Protein change: p.Trp948Ter; replaces tryptophan 948 with a stop codon.
Molecular consequence: nonsense.
Genome position (GRCh38, 1-based): chr2:165,344,836, G>A. VCF-style: chr2-165344836-G-A. GRCh37 (hg19) VCF-style: chr2-166201346-G-A.
Other names: c.2844G>A, p.Trp948Ter (NM_001040143.2, NM_001371246.1, NM_001371247.1 and 1 more transcripts); short protein forms W948*.
Identifiers: ClinVar variation 1707883 (VCV001707883.2), dbSNP rs867116896, ClinGen allele CA59720140.

ClinVar aggregate classification (germline): Pathogenic (1 of 4 stars; one submission).

Submission:

GeneDx
Classification: Pathogenic. Last evaluated: 2022-04-01. Review status: criteria provided, single submitter. Criteria: GeneDx Variant Classification Process June 2021. Collection method: clinical testing. Allele origin: germline. Affected: yes.
Comment: Nonsense variant predicted to result in protein truncation or nonsense mediated decay in a gene for which loss of function is a known mechanism of disease; Not observed at significant frequency in large population cohorts (gnomAD); Has not been previously published as pathogenic or benign to our knowledge